The following is an entry in ClinVar:

ClinVar aggregate classification (germline): Uncertain significance (1 of 4 stars; one submission).

Allele frequency attached by ClinVar (database versions not stated): gnomAD exomes 0.00001.
gnomAD v4.1: 4 of 1,613,640 alleles (0.00025%); highest among the groups gnomAD compares: Non-Finnish European, 0.00034%; no homozygotes.

Submission:

Labcorp Genetics (formerly Invitae), Labcorp
Classification: Uncertain significance. Last evaluated: 2022-06-08. Review status: criteria provided, single submitter. Criteria: Invitae Variant Classification Sherloc (09022015). Collection method: clinical testing. Allele origin: germline.
Comment: In summary, the available evidence is currently insufficient to determine the role of this variant in disease. Therefore, it has been classified as a Variant of Uncertain Significance. Algorithms developed to predict the effect of missense changes on protein structure and function (SIFT, PolyPhen-2, Align-GVGD) all suggest that this variant is likely to be tolerated. This variant has not been reported in the literature in individuals affected with CLCN6-related conditions. This variant is present in population databases (no rsID available, gnomAD 0.0009%). This sequence change replaces isoleucine, which is neutral and non-polar, with valine, which is neutral and non-polar, at codon 844 of the CLCN6 protein (p.Ile844Val).

NM_001286.5(CLCN6):c.2530A>G (p.Ile844Val)

Gene: CLCN6 (chloride voltage-gated channel 6; plus strand). Cytogenetic location: 1p36.22.
Variant type: single nucleotide variant.
Coding change: c.2530A>G on transcript NM_001286.5 (MANE Select); coding-DNA position 2530, A replaced by G.
Protein change: p.Ile844Val; replaces isoleucine 844 with valine.
Molecular consequence: missense variant. On other transcripts: non-coding transcript variant (1).
Genome position (GRCh38, 1-based): chr1:11,840,143, A>G. VCF-style: chr1-11840143-A-G. GRCh37 (hg19) VCF-style: chr1-11900200-A-G.
Other names: c.2464A>G, p.Ile822Val (NM_001256959.2); short protein forms I822V, I844V.
Identifiers: ClinVar variation 2129995 (VCV002129995.4), dbSNP rs1455302204, ClinGen allele CA338446936.
Genomic context (GRCh38, chr1:11,840,143, plus strand): 5'-CTCCTGTTCTCGCCAGCGGGTTTTACCCTGAAGGTGACTCAGGCCTTCTCTTTGCCCTAG[A>G]TCGTGGGGATCATCACACGGCACAACCTCACCTATGAATTTCTGCAGGCCCGGCTGAGGC-3'
Protein context (NP_001277.2, residues 834-854): HLPVVNAVGE[Ile844Val]VGIITRHNLT